The following is an entry in ClinVar:

ClinVar aggregate classification (germline): Uncertain significance. Review status: criteria provided, multiple submitters, no conflicts (2 of 4 stars). 2 submissions from 2 submitters: Uncertain significance (2). Last evaluated 2023-08-30.

Conditions:
Diamond-Blackfan anemia. Also called: Blackfan Diamond syndrome; Aregenerative anemia chronic congenital; Red cell aplasia, pure hereditary; Congenital hypoplastic anemia; Aase syndrome. Identifiers: Orphanet 124, MedGen C1260899, MeSH D029503, MONDO:0015253, HP:0004810.
Diamond-Blackfan anemia 6 (DBA6). Also called: RPL5-Related Diamond-Blackfan Anemia. Identifiers: Orphanet 124, MedGen C2931850, MONDO:0012937, OMIM 612561.

Allele frequency attached by ClinVar (database versions not stated): ExAC 0.00001.
gnomAD v4.1: 1 of 1,609,458 alleles (0.000062%); highest among the groups gnomAD compares: South Asian, 0.0011%; no homozygotes.

Submissions (2):

Revvity Omics, Revvity
Classification: Uncertain significance for Diamond-Blackfan anemia 6. Last evaluated: 2023-08-30. Review status: criteria provided, single submitter. Criteria: ACMG Guidelines, 2015. Collection method: clinical testing. Allele origin: germline.

Labcorp Genetics (formerly Invitae), Labcorp
Classification: Uncertain significance for Diamond-Blackfan anemia. Last evaluated: 2022-03-12. Review status: criteria provided, single submitter. Criteria: Invitae Variant Classification Sherloc (09022015). Collection method: clinical testing. Allele origin: germline.
Comment: This sequence change replaces tyrosine, which is neutral and polar, with cysteine, which is neutral and slightly polar, at codon 86 of the RPL5 protein (p.Tyr86Cys). This variant is present in population databases (rs781353827, gnomAD 0.003%). In summary, the available evidence is currently insufficient to determine the role of this variant in disease. Therefore, it has been classified as a Variant of Uncertain Significance. Algorithms developed to predict the effect of missense changes on protein structure and function (SIFT, PolyPhen-2, Align-GVGD) all suggest that this variant is likely to be disruptive. This variant has not been reported in the literature in individuals affected with RPL5-related conditions.

NM_000969.5(RPL5):c.257A>G (p.Tyr86Cys)

Genes: DIPK1A (divergent protein kinase domain 1A; minus strand), RPL5 (ribosomal protein L5; plus strand). Cytogenetic location: 1p22.1.
Variant type: single nucleotide variant.
Coding change: c.257A>G on transcript NM_000969.5 (MANE Select); coding-DNA position 257, A replaced by G.
Protein change: p.Tyr86Cys; replaces tyrosine 86 with cysteine.
Molecular consequence: missense variant. On other transcripts: non-coding transcript variant (1), intron variant (1).
Genome position (GRCh38, 1-based): chr1:92,834,846, A>G. VCF-style: chr1-92834846-A-G. GRCh37 (hg19) VCF-style: chr1-93300403-A-G.
Other names: c.475-1812T>C (NM_001252273.2); short protein forms Y86C.
Identifiers: ClinVar variation 2160898 (VCV002160898.4), dbSNP rs781353827, ClinGen allele CA952417.
Genomic context (GRCh38, chr1:92,834,846, plus strand): 5'-ATGCCCGTATAGAGGGGGATATGATAGTCTGCGCAGCGTATGCACACGAACTGCCAAAAT[A>G]TGGTGTGAAGGTTGGCCTGACAAATTATGCTGCAGCATATTGTACTGGCCTGCTGCTGGC-3'
Protein context (NP_000960.2, residues 76-96): CAAYAHELPK[Tyr86Cys]GVKVGLTNYA